The following is an entry in ClinVar:

ClinVar aggregate classification (germline): Uncertain significance. Review status: criteria provided, multiple submitters, no conflicts (2 of 4 stars). 2 submissions from 2 submitters: Uncertain significance (2). Last evaluated 2023-05-22.

Conditions:
Bethlem myopathy 1A. Also called: MYOPATHY, BENIGN CONGENITAL, WITH CONTRACTURES; Bethlem myopathy 1; Bethlem Muscular Dystrophy. Identifiers: Orphanet 610, MedGen CN029274, MONDO:0024530, OMIM 158810.

Allele frequency attached by ClinVar (database versions not stated): gnomAD exomes below 0.00001; ExAC 0.00001; gnomAD 0.00001; TOPMed 0.00001.
gnomAD v4.1: 6 of 1,613,952 alleles (0.00037%); highest among the groups gnomAD compares: South Asian, 0.0011%; no homozygotes.

Submissions (2):

Labcorp Genetics (formerly Invitae), Labcorp
Classification: Uncertain significance for Bethlem myopathy 1A. Last evaluated: 2023-05-22. Review status: criteria provided, single submitter. Criteria: Invitae Variant Classification Sherloc (09022015). Collection method: clinical testing. Allele origin: germline.
Comment: This variant disrupts the triple helix domain of COL6A3. Glycine residues within the Gly-Xaa-Yaa repeats of the triple helix domain are required for the structure and stability of fibrillar collagens (PMID: 7695699, 8218237, 19344236). In COL6A3, missense variants at these glycine residues are significantly enriched in individuals with autosomal dominant disease (PMID: 15689448, 24038877) compared to the general population (ExAC). This sequence change replaces glycine, which is neutral and non-polar, with serine, which is neutral and polar, at codon 2177 of the COL6A3 protein (p.Gly2177Ser). This variant is present in population databases (rs773235743, gnomAD 0.0008%). This variant has not been reported in the literature in individuals affected with COL6A3-related conditions. ClinVar contains an entry for this variant (Variation ID: 2440426). Advanced modeling of protein sequence and biophysical properties (such as structural, functional, and spatial information, amino acid conservation, physicochemical variation, residue mobility, and thermodynamic stability) performed at Invitae indicates that this missense variant is expected to disrupt COL6A3 protein function. In summary, the available evidence is currently insufficient to determine the role of this variant in disease. Therefore, it has been classified as a Variant of Uncertain Significance.

Revvity Omics, Revvity
Classification: Uncertain significance. Last evaluated: 2020-02-13. Review status: criteria provided, single submitter. Criteria: ACMG Guidelines, 2015. Collection method: clinical testing. Allele origin: germline.

Literature cited by the submitters: PubMed 7695699 (cited by Labcorp Genetics (formerly Invitae), Labcorp); PubMed 8218237 (cited by Labcorp Genetics (formerly Invitae), Labcorp); PubMed 19344236 (cited by Labcorp Genetics (formerly Invitae), Labcorp); PubMed 15689448 (cited by Labcorp Genetics (formerly Invitae), Labcorp); PubMed 24038877 (cited by Labcorp Genetics (formerly Invitae), Labcorp).

NM_004369.4(COL6A3):c.6529G>A (p.Gly2177Ser)

Gene: COL6A3 (collagen type VI alpha 3 chain; minus strand). Cytogenetic location: 2q37.3.
Variant type: single nucleotide variant.
Coding change: c.6529G>A on transcript NM_004369.4 (MANE Select); coding-DNA position 6529, G replaced by A.
Protein change: p.Gly2177Ser; replaces glycine 2177 with serine.
Molecular consequence: missense variant.
Genome position (GRCh38, 1-based): chr2:237,357,825, C>T on the plus strand (G>A on the coding strand, the complement: COL6A3 is on the minus strand). VCF-style: chr2-237357825-C-T. GRCh37 (hg19) VCF-style: chr2-238266468-C-T.
Other names: c.4708G>A, p.Gly1570Ser (NM_057166.5); c.5911G>A, p.Gly1971Ser (NM_057167.4); short protein forms G1570S, G1971S, G2177S.
Identifiers: ClinVar variation 2440426 (VCV002440426.4), dbSNP rs773235743, ClinGen allele CA2188243.